The following is an entry in ClinVar:

NM_003235.5(TG):c.2639C>G (p.Pro880Arg)

Gene: TG (thyroglobulin; plus strand). Cytogenetic location: 8q24.22.
Variant type: single nucleotide variant.
Coding change: c.2639C>G on transcript NM_003235.5 (MANE Select); coding-DNA position 2639, C replaced by G.
Protein change: p.Pro880Arg; replaces proline 880 with arginine.
Molecular consequence: missense variant.
Genome position (GRCh38, 1-based): chr8:132,888,446, C>G. VCF-style: chr8-132888446-C-G. GRCh37 (hg19) VCF-style: chr8-133900691-C-G.
Other names: short protein forms P880R.
Identifiers: ClinVar variation 2499262 (VCV002499262.3), dbSNP rs201893722, ClinGen allele CA186284545.
Genomic context (GRCh38, chr8:132,888,446, plus strand): 5'-ATATCCTCCTGGAGCCCTACCTCTTCTGGCAGATCTTAAATGGCCAACTCAGCCAATACC[C>G]GGGGTCCTACTCAGACTTCAGCACTCCTTTGGCACATTTTGATCTTCGGAACTGCTGGTG-3'
Protein context (NP_003226.4, residues 870-890): QILNGQLSQY[Pro880Arg]GSYSDFSTPL

ClinVar aggregate classification (germline): Uncertain significance. Review status: criteria provided, multiple submitters, no conflicts (2 of 4 stars). 2 submissions from 2 submitters: Uncertain significance (2). Last evaluated 2025-11-07.

Conditions:
Inborn genetic diseases. Identifiers: MedGen C0950123, MeSH D030342.

Allele frequency attached by ClinVar (database versions not stated): 1000 Genomes Project 30x 0.00031; 1000 Genomes Project 0.00020.
gnomAD v4.1: 45 of 1,612,234 alleles (0.0028%); highest among the groups gnomAD compares: Admixed American, 0.052%; no homozygotes.

Submissions (2):

Ambry Genetics
Classification: Uncertain significance for Inborn genetic diseases. Last evaluated: 2025-11-07. Review status: criteria provided, single submitter. Criteria: Ambry Variant Classification Scheme 2023. Collection method: clinical testing. Allele origin: germline.

GeneDx
Classification: Uncertain significance. Last evaluated: 2023-04-13. Review status: criteria provided, single submitter. Criteria: GeneDx Variant Classification Process June 2021. Collection method: clinical testing. Allele origin: germline. Affected: yes.
Comment: In silico analysis supports that this missense variant has a deleterious effect on protein structure/function; Has not been previously published as pathogenic or benign to our knowledge